The following is an entry in ClinVar:

NM_006005.3(WFS1):c.2521G>C (p.Glu841Gln)

Gene: WFS1 (wolframin ER transmembrane glycoprotein; plus strand). Cytogenetic location: 4p16.1.
Variant type: single nucleotide variant.
Coding change: c.2521G>C on transcript NM_006005.3 (MANE Select); coding-DNA position 2521, G replaced by C.
Protein change: p.Glu841Gln; replaces glutamic acid 841 with glutamine.
Molecular consequence: missense variant.
Genome position (GRCh38, 1-based): chr4:6,302,316, G>C. VCF-style: chr4-6302316-G-C. GRCh37 (hg19) VCF-style: chr4-6304043-G-C.
Other names: c.2521G>C, p.Glu841Gln (NM_001145853.1); short protein forms E841Q.
Identifiers: ClinVar variation 1315642 (VCV001315642.2), dbSNP rs762556590, ClinGen allele CA356178826.

ClinVar aggregate classification (germline): Uncertain significance (1 of 4 stars; one submission).

Submission:

GeneDx
Classification: Uncertain significance. Last evaluated: 2019-06-05. Review status: criteria provided, single submitter. Criteria: GeneDx Variant Classification Process June 2021. Collection method: clinical testing. Allele origin: germline. Affected: yes.
Comment: Not observed in large population cohorts (Lek et al., 2016); In silico analysis, which includes protein predictors and evolutionary conservation, supports that this variant does not alter protein structure/function; Has not been previously published as pathogenic or benign to our knowledge